The following is an entry in ClinVar:

NM_018406.7(MUC4):c.10673C>T (p.Ala3558Val)

Gene: MUC4 (mucin 4, cell surface associated). Cytogenetic location: 3q29.
Variant type: single nucleotide variant.
Coding change: c.10673C>T on transcript NM_018406.7 (MANE Select); coding-DNA position 10673, C replaced by T.
Protein change: p.Ala3558Val; replaces alanine 3558 with valine.
Molecular consequence: missense variant. On other transcripts: genic upstream transcript variant (2), no sequence alteration (1).
Genome position (GRCh38, 1-based): chr3:195,780,907, G>A on the plus strand (C>T on the coding strand, the complement: MUC4 is on the minus strand). VCF-style: chr3-195780907-G-A. GRCh37 (hg19) VCF-style: chr3-195507778-G-A.
Other names: c.83-2452C>T (NM_004532.6); c.15443=, p.Val5148= (NM_001322468.1); c.83-6602C>T (NM_138297.5); short protein forms A3558V.
Identifiers: ClinVar variation 3234244 (VCV003234244.20), dbSNP rs754808151, ClinGen allele CA2769950.

ClinVar aggregate classification (germline): Likely benign (1 of 4 stars; one submission).

Allele frequency attached by ClinVar (database versions not stated): gnomAD 0.00001; ExAC 0.00004.

Submission:

CeGaT Center for Human Genetics Tuebingen
Classification: Likely benign. Last evaluated: 2024-04-01. Review status: criteria provided, single submitter. Criteria: CeGaT Center For Human Genetics Tuebingen Variant Classification Criteria Version 2. Collection method: clinical testing. Allele origin: germline. Affected: yes. Observed: 1 variant allele.
Comment: MUC4: BS2